The following is an entry in ClinVar:

ClinVar aggregate classification (germline): Likely benign. Review status: criteria provided, multiple submitters, no conflicts (2 of 4 stars). 3 submissions from 3 submitters: Likely benign (2). 1 of the submissions does not count toward it. Last evaluated 2025-10-23.

Conditions:
PAX2-Related Disorder. Also called: PAX2-related disorders. Identifiers: MedGen CN381309.
Renal coloboma syndrome (PAPRS). Also called: OPTIC COLOBOMA, VESICOURETERAL REFLUX, AND RENAL ANOMALIES; OPTIC NERVE COLOBOMA WITH RENAL DISEASE; RENAL-COLOBOMA SYNDROME WITH MACULAR ABNORMALITIES; PAPILLORENAL SYNDROME; COLOBOMA OF OPTIC NERVE WITH RENAL DISEASE; CONGENITAL ANOMALIES OF THE KIDNEY AND URINARY TRACT WITH OR WITHOUT OCULAR ABNORMALITIES. Identifiers: Orphanet 1475, MedGen C1852759, MONDO:0007352, OMIM 120330.
Focal segmental glomerulosclerosis 7 (FSGS7). Identifiers: Orphanet 656, MedGen C4014925, MONDO:0014451, OMIM 616002.

Allele frequency attached by ClinVar (database versions not stated): ExAC 0.00002; gnomAD 0.00006.
gnomAD v4.1: 30 of 1,614,000 alleles (0.0019%); highest among the groups gnomAD compares: Admixed American, 0.02%; no homozygotes.

Submissions (3):

Labcorp Genetics (formerly Invitae), Labcorp
Classification: Likely benign for Renal coloboma syndrome; Focal segmental glomerulosclerosis 7. Last evaluated: 2025-10-23. Review status: criteria provided, single submitter. Criteria: Invitae Variant Classification Sherloc (09022015). Collection method: clinical testing. Allele origin: germline.

Blueprint Genetics
Classification: Likely benign. Last evaluated: 2022-09-02. Review status: criteria provided, single submitter. Criteria: ACMG Guidelines, 2015. Collection method: clinical testing. Allele origin: germline.

PreventionGenetics, part of Exact Sciences
Classification: Likely benign for PAX2-related condition. Last evaluated: 2022-12-19. Review status: no assertion criteria provided. Collection method: clinical testing. Allele origin: germline. Not counted in ClinVar's aggregate classification.
Comment: This variant is classified as likely benign based on ACMG/AMP sequence variant interpretation guidelines (Richards et al. 2015 PMID: 25741868, with internal and published modifications).

NM_000278.5(PAX2):c.225C>T (p.Thr75=)

Gene: PAX2 (paired box 2; plus strand). Cytogenetic location: 10q24.31.
Variant type: single nucleotide variant.
Coding change: c.225C>T on transcript NM_000278.5 (MANE Select); coding-DNA position 225, C replaced by T.
Protein change: p.Thr75=; no amino-acid change (threonine 75 retained).
Molecular consequence: synonymous variant.
Genome position (GRCh38, 1-based): chr10:100,750,706, C>T. VCF-style: chr10-100750706-C-T. GRCh37 (hg19) VCF-style: chr10-102510463-C-T.
Other names: c.318C>T, p.Thr106= (NM_001304569.2); c.225C>T, p.Thr75= (NM_003987.5, NM_003988.5, NM_003989.5 and 1 more transcripts); c.225C>T (NM_003990.4).
Identifiers: ClinVar variation 2040019 (VCV002040019.7), dbSNP rs755604378, ClinGen allele CA5650689.